The following is an entry in ClinVar:

ClinVar aggregate classification (germline): Likely benign. Review status: criteria provided, multiple submitters, no conflicts (2 of 4 stars). 2 submissions from 2 submitters: Likely benign (2). Last evaluated 2025-10-02.

gnomAD v4.1: 474 of 1,607,534 alleles (0.029%); highest among the groups gnomAD compares: Non-Finnish European, 0.038%; 1 homozygote.

Submissions (2):

Labcorp Genetics (formerly Invitae), Labcorp
Classification: Likely benign. Last evaluated: 2025-10-02. Review status: criteria provided, single submitter. Criteria: Invitae Variant Classification Sherloc (09022015). Collection method: clinical testing. Allele origin: germline.

Mayo Clinic Laboratories, Mayo Clinic
Classification: Likely benign. Last evaluated: 2025-02-27. Review status: criteria provided, single submitter. Criteria: ACMG Guidelines, 2015. Collection method: clinical testing. Allele origin: germline. Observed: 1 variant allele.
Comment: BP4, BP7

NM_001355436.2(SPTB):c.2409G>A (p.Glu803=)

Gene: SPTB (spectrin beta, erythrocytic; minus strand). Cytogenetic location: 14q23.3.
Variant type: single nucleotide variant.
Coding change: c.2409G>A on transcript NM_001355436.2 (MANE Select); coding-DNA position 2409, G replaced by A.
Protein change: p.Glu803=; no amino-acid change (glutamic acid 803 retained).
Molecular consequence: synonymous variant.
Genome position (GRCh38, 1-based): chr14:64,793,254, C>T on the plus strand (G>A on the coding strand, the complement: SPTB is on the minus strand). VCF-style: chr14-64793254-C-T. GRCh37 (hg19) VCF-style: chr14-65259972-C-T.
Other names: p.Glu803=; c.2409G>A, p.Glu803= (NM_001024858.4, NM_001355437.2).
Identifiers: ClinVar variation 4683881 (VCV004683881.2).